The following is an entry in ClinVar:

NM_178229.5(IQGAP3):c.1288G>C (p.Gly430Arg)

Gene: IQGAP3 (IQ motif containing GTPase activating protein 3; minus strand). Cytogenetic location: 1q22.
Variant type: single nucleotide variant.
Coding change: c.1288G>C on transcript NM_178229.5 (MANE Select); coding-DNA position 1288, G replaced by C.
Protein change: p.Gly430Arg; replaces glycine 430 with arginine.
Molecular consequence: missense variant.
Genome position (GRCh38, 1-based): chr1:156,556,535, C>G on the plus strand (G>C on the coding strand, the complement: IQGAP3 is on the minus strand). VCF-style: chr1-156556535-C-G. GRCh37 (hg19) VCF-style: chr1-156526327-C-G.
Other names: short protein forms G430R.
Identifiers: ClinVar variation 3052397 (VCV003052397.2), dbSNP rs146377246, ClinGen allele CA1161695.

ClinVar aggregate classification (germline): Likely benign (0 of 4 stars; one submission).

Conditions:
IQGAP3-related disorder. Also called: IQGAP3-related condition.

Allele frequency attached by ClinVar (database versions not stated): 1000 Genomes Project 30x 0.00062; 1000 Genomes Project 0.00080; ESP Exome Variant Server 0.00185.
gnomAD v4.1: 489 of 1,614,072 alleles (0.03%); highest among the groups gnomAD compares: African/African-American, 0.55%; 2 homozygotes.

Submission:

PreventionGenetics, part of Exact Sciences
Classification: Likely benign for IQGAP3-related condition. Last evaluated: 2019-02-18. Review status: no assertion criteria provided. Collection method: clinical testing. Allele origin: germline.
Comment: This variant is classified as likely benign based on ACMG/AMP sequence variant interpretation guidelines (Richards et al. 2015 PMID: 25741868, with internal and published modifications).